The following is an entry in ClinVar:

NM_004260.4(RECQL4):c.1844_1852del (p.His615_Phe617del)

Gene: RECQL4 (RecQ like helicase 4; minus strand). Cytogenetic location: 8q24.3.
Variant type: Deletion.
Coding change: c.1844_1852del on transcript NM_004260.4 (MANE Select); coding-DNA positions 1844 to 1852, 9 bases deleted (ACAACTTCC; older notation c.1844_1852delACAACTTCC).
Protein change: p.His615_Phe617del.
Molecular consequence: inframe deletion. On other transcripts: inframe indel (26).
Genome position (GRCh38, 1-based): chr8:144,514,215-144,514,223, GGAAGTTGT deleted on the plus strand (ACAACTTCC on the coding strand, the reverse complement: RECQL4 is on the minus strand); deleting any 9 consecutive bases within chr8:144,514,215-144,514,225 gives the same sequence; the c. name uses the placement nearest the transcript's 3' end. VCF-style (leftmost placement, unchanged base first): chr8-144514214-CGGAAGTTGT-C. GRCh37 (hg19) VCF-style: chr8-145739598-CGGAAGTTGT-C.
Other names: c.1746_1754delCCACAACTT, p.His583_Phe585del (NM_001413017.1, NM_001413020.1); c.1842_1850delCCACAACTT, p.His615_Phe617del (NM_001413018.1, NM_001413019.1, NM_001413036.1); c.771_779delCCACAACTT, p.His258_Phe260del (NM_001413021.1, NM_001413022.1, NM_001413023.1 and 6 more transcripts); c.1713_1721delCCACAACTT, p.His572_Phe574del (NM_001413025.1); c.705_713delCCACAACTT, p.His236_Phe238del (NM_001413027.1, NM_001413030.1, NM_001413032.1 and 1 more transcripts); c.1491_1499delCCACAACTT, p.His498_Phe500del (NM_001413029.1); c.573_581delCCACAACTT, p.His192_Phe194del (NM_001413031.1); c.1710_1718delCCACAACTT, p.His571_Phe573del (NM_001413033.1); and 4 more.
Identifiers: ClinVar variation 1937582 (VCV001937582.5), dbSNP rs1827817177, ClinGen allele CA1120280438.

ClinVar aggregate classification (germline): Uncertain significance (1 of 4 stars; one submission).

Conditions:
Baller-Gerold syndrome (BGS). Also called: CRANIOSYNOSTOSIS WITH RADIAL DEFECTS. Identifiers: Orphanet 1225, MedGen C0265308, MONDO:0009039, OMIM 218600.

Submission:

Labcorp Genetics (formerly Invitae), Labcorp
Classification: Uncertain significance for Baller-Gerold syndrome. Last evaluated: 2022-08-30. Review status: criteria provided, single submitter. Criteria: Invitae Variant Classification Sherloc (09022015). Collection method: clinical testing. Allele origin: germline.
Comment: In summary, the available evidence is currently insufficient to determine the role of this variant in disease. Therefore, it has been classified as a Variant of Uncertain Significance. Experimental studies and prediction algorithms are not available or were not evaluated, and the functional significance of this variant is currently unknown. This variant has not been reported in the literature in individuals affected with RECQL4-related conditions. This variant is not present in population databases (gnomAD no frequency). This variant, c.1844_1852del, results in the deletion of 3 amino acid(s) of the RECQL4 protein (p.His615_Phe617del), but otherwise preserves the integrity of the reading frame.